The following is an entry in ClinVar:

NM_001142800.2(EYS):c.2412G>C (p.Gln804His)

Gene: EYS (EGF-like photoreceptor maintenance factor; minus strand). Cytogenetic location: 6q12.
Variant type: single nucleotide variant.
Coding change: c.2412G>C on transcript NM_001142800.2 (MANE Select); coding-DNA position 2412, G replaced by C.
Protein change: p.Gln804His; replaces glutamine 804 with histidine.
Molecular consequence: missense variant.
Genome position (GRCh38, 1-based): chr6:64,912,713, C>G on the plus strand (G>C on the coding strand, the complement: EYS is on the minus strand). VCF-style: chr6-64912713-C-G. GRCh37 (hg19) VCF-style: chr6-65622606-C-G.
Other names: c.2412G>C, p.Gln804His (NM_001292009.2); short protein forms Q804H.
Identifiers: ClinVar variation 2136434 (VCV002136434.2), dbSNP rs1314013207, ClinGen allele CA364786585.
Genomic context (GRCh38, chr6:64,912,713, plus strand): 5'-ACAAAGACCTCCATTCATGCATGGATCAGAGTCGCATTCATTTATTTCTTCACTACAGTT[C>G]TGTCCAGTCCATCCAGATGTACACTCACATCTGAAATAAAATATTAAAATTTTTAGAAGT-3'
Protein context (NP_001136272.1, residues 794-814): RCECTSGWTG[Gln804His]NCSEEINECD

ClinVar aggregate classification (germline): Uncertain significance. Review status: criteria provided, multiple submitters, no conflicts (2 of 4 stars). 2 submissions from 2 submitters: Uncertain significance (2). Last evaluated 2023-08-18.

Allele frequency attached by ClinVar (database versions not stated): gnomAD exomes below 0.00001; TOPMed below 0.00001.
gnomAD v4.1: 3 of 1,459,560 alleles (0.00021%); highest among the groups gnomAD compares: Non-Finnish European, 0.00027%; no homozygotes.

Submissions (2):

Blueprint Genetics
Classification: Uncertain significance. Last evaluated: 2023-08-18. Review status: criteria provided, single submitter. Criteria: ACMG Guidelines, 2015. Collection method: clinical testing. Allele origin: germline.

Labcorp Genetics (formerly Invitae), Labcorp
Classification: Uncertain significance. Last evaluated: 2022-08-16. Review status: criteria provided, single submitter. Criteria: Invitae Variant Classification Sherloc (09022015). Collection method: clinical testing. Allele origin: germline.
Comment: This sequence change replaces glutamine, which is neutral and polar, with histidine, which is basic and polar, at codon 804 of the EYS protein (p.Gln804His). This variant is present in population databases (no rsID available, gnomAD 0.003%). This missense change has been observed in individual(s) with peripheral dystrophy (PMID: 25097241). Algorithms developed to predict the effect of missense changes on protein structure and function are either unavailable or do not agree on the potential impact of this missense change (SIFT: "Tolerated"; PolyPhen-2: "Probably Damaging"; Align-GVGD: "Class C0"). In summary, the available evidence is currently insufficient to determine the role of this variant in disease. Therefore, it has been classified as a Variant of Uncertain Significance.

Literature cited by the submitters: PubMed 25097241 (cited by Labcorp Genetics (formerly Invitae), Labcorp).